The following is an entry in ClinVar:

ClinVar aggregate classification (germline): Uncertain significance (1 of 4 stars; one submission).

Conditions:
Mucopolysaccharidosis type 1. Also called: IDUA deficiency; MPS I; Mucopolysaccharidosis Type I. Identifiers: Orphanet 579, MedGen C0023786, MONDO:0001586.

Allele frequency attached by ClinVar (database versions not stated): gnomAD 0.00001; TOPMed 0.00001.

Submission:

Labcorp Genetics (formerly Invitae), Labcorp
Classification: Uncertain significance for Mucopolysaccharidosis type 1. Last evaluated: 2025-06-09. Review status: criteria provided, single submitter. Criteria: Invitae Variant Classification Sherloc (09022015). Collection method: clinical testing. Allele origin: germline.
Comment: This sequence change replaces proline, which is neutral and non-polar, with leucine, which is neutral and non-polar, at codon 430 of the IDUA protein (p.Pro430Leu). This variant is not present in population databases (gnomAD no frequency). This variant has not been reported in the literature in individuals affected with IDUA-related conditions. ClinVar contains an entry for this variant (Variation ID: 1359444). An algorithm developed to predict the effect of missense changes on protein structure and function outputs the following: PolyPhen-2: "Benign". The leucine amino acid residue is found in multiple mammalian species, which suggests that this missense change does not adversely affect protein function. In summary, the available evidence is currently insufficient to determine the role of this variant in disease. Therefore, it has been classified as a Variant of Uncertain Significance.

NM_000203.5(IDUA):c.1289C>T (p.Pro430Leu)

Gene: IDUA (alpha-L-iduronidase; plus strand). Cytogenetic location: 4p16.3.
Variant type: single nucleotide variant.
Coding change: c.1289C>T on transcript NM_000203.5 (MANE Select); coding-DNA position 1289, C replaced by T.
Protein change: p.Pro430Leu; replaces proline 430 with leucine.
Molecular consequence: missense variant. On other transcripts: non-coding transcript variant (1).
Genome position (GRCh38, 1-based): chr4:1,002,831, C>T. VCF-style: chr4-1002831-C-T. GRCh37 (hg19) VCF-style: chr4-996619-C-T.
Other names: c.893C>T, p.Pro298Leu (NM_001363576.1); short protein forms P430L, P298L.
Identifiers: ClinVar variation 1359444 (VCV001359444.4), dbSNP rs1197582697, ClinGen allele CA355963829.